The following is an entry in ClinVar:

ClinVar aggregate classification (germline): Uncertain significance (1 of 4 stars; one submission).

Submission:

Dasa
Classification: Uncertain significance. Last evaluated: 2025-08-28. Review status: criteria provided, single submitter. Criteria: DASA Assertion Criteria. Collection method: clinical testing. Allele origin: germline.
Comment: NM_080680.3(COL11A2):c.125C>T (p.Ser42Phe) is a missense variant that results in the substitution of serine with phenylalanine. This variant is absent from population databases. Computational prediction algorithms are consistent with a benign effect. The currently available literature and clinical evidence are not sufficient to establish a definitive association between this variant and the reported condition. Therefore, this variant is classified as a variant of uncertain significance.

NM_080680.3(COL11A2):c.125C>T (p.Ser42Phe)

Gene: COL11A2 (collagen type XI alpha 2 chain; minus strand). Cytogenetic location: 6p21.32.
Variant type: single nucleotide variant.
Coding change: c.125C>T on transcript NM_080680.3 (MANE Select); coding-DNA position 125, C replaced by T.
Protein change: p.Ser42Phe; replaces serine 42 with phenylalanine.
Molecular consequence: missense variant. On other transcripts: non-coding transcript variant (1), 5 prime UTR variant (3).
Genome position (GRCh38, 1-based): chr6:33,189,427, G>A on the plus strand (C>T on the coding strand, the complement: COL11A2 is on the minus strand). VCF-style: chr6-33189427-G-A. GRCh37 (hg19) VCF-style: chr6-33157204-G-A.
Other names: c.125C>T, p.Ser42Phe (NM_001163771.2, NM_001424108.1, NM_080679.3 and 1 more transcripts); c.-722C>T (NM_001424109.1, NM_001424110.1, NM_001424111.1); short protein forms S42F.
Identifiers: ClinVar variation 4884945 (VCV004884945.2).
Genomic context (GRCh38, chr6:33,189,427, plus strand): 5'-ACTCGGTAGGCCACATCAGCTGGACAGATGCCTTTCGCTCTCCGGACACCATCAGGGAGG[G>A]AGGGGAACCTCAGGGCCCGGAGCACATCCACAGGGGGTGCACCTGGGAGAGTCCATGATT-3'
Protein context (NP_542411.2, residues 32-52): VDVLRALRFP[Ser42Phe]LPDGVRRAKG